The following is an entry in ClinVar:

ClinVar aggregate classification (germline): Uncertain significance (1 of 4 stars; one submission).

Submission:

Labcorp Genetics (formerly Invitae), Labcorp
Classification: Uncertain significance. Last evaluated: 2025-07-23. Review status: criteria provided, single submitter. Criteria: Invitae Variant Classification Sherloc (09022015). Collection method: clinical testing. Allele origin: germline.
Comment: This sequence change replaces arginine, which is basic and polar, with glycine, which is neutral and non-polar, at codon 239 of the ALPK3 protein (p.Arg239Gly). This variant is not present in population databases (gnomAD no frequency). This variant has not been reported in the literature in individuals affected with ALPK3-related conditions. An algorithm developed to predict the effect of missense changes on protein structure and function (PolyPhen-2) suggests that this variant is likely to be disruptive. In summary, the available evidence is currently insufficient to determine the role of this variant in disease. Therefore, it has been classified as a Variant of Uncertain Significance.

NM_020778.5(ALPK3):c.109C>G (p.Arg37Gly)

Gene: ALPK3 (alpha kinase 3; plus strand). Cytogenetic location: 15q25.3.
Variant type: single nucleotide variant.
Coding change: c.109C>G on transcript NM_020778.5 (MANE Select); coding-DNA position 109, C replaced by G.
Protein change: p.Arg37Gly; replaces arginine 37 with glycine.
Molecular consequence: missense variant.
Genome position (GRCh38, 1-based): chr15:84,817,561, C>G. VCF-style: chr15-84817561-C-G. GRCh37 (hg19) VCF-style: chr15-85360792-C-G.
Other names: short protein forms R37G.
Identifiers: ClinVar variation 4780600 (VCV004780600.1).
Genomic context (GRCh38, chr15:84,817,561, plus strand): 5'-TCGGGGGCGGGGGGCGACGGTGAGGACGACGGCCCCGTGTGGATCCCCAGCCCAGCCAGC[C>G]GGAGCTACCTGCTCAGCGTGCGGCCCGAGACCAGGTAAGTGGCACCAAGGGGCAGGGCGG-3'
Protein context (NP_065829.4, residues 27-47): GPVWIPSPAS[Arg37Gly]SYLLSVRPET